The following is an entry in ClinVar:

NC_000023.10:g.(?_22129565)_(22129698_?)del

Gene: PHEX (phosphate regulating endopeptidase X-linked; plus strand). Cytogenetic location: Xp22.11.
Variant type: Deletion.
Identifiers: ClinVar variation 3245923 (VCV003245923.1).

ClinVar aggregate classification (germline): Pathogenic (1 of 4 stars; one submission).

Submission:

Labcorp Genetics (formerly Invitae), Labcorp
Classification: Pathogenic. Last evaluated: 2022-02-18. Review status: criteria provided, single submitter. Criteria: Invitae Variant Classification Sherloc (09022015). Collection method: clinical testing. Allele origin: unknown.
Comment: For these reasons, this variant has been classified as Pathogenic. A similar copy number variant has been observed in individuals with hypophosphatemia (PMID: 30682568; Invitae). This variant is a gross deletion of the genomic region encompassing exon(s) 10 of the PHEX gene. This deletion is out-of-frame, and is expected to create a premature termination codon and result in an absent or disrupted protein product. Loss-of-function variants in PHEX are known to be pathogenic (PMID: 9097956, 9106524, 19219621).

Literature cited by the submitters: PubMed 30682568; PubMed 9097956; PubMed 9106524; PubMed 19219621.